The following is an entry in ClinVar:

NM_007194.4(CHEK2):c.26C>T (p.Ala9Val)

Gene: CHEK2 (checkpoint kinase 2; minus strand). Cytogenetic location: 22q12.1.
Variant type: single nucleotide variant.
Coding change: c.26C>T on transcript NM_007194.4 (MANE Select); coding-DNA position 26, C replaced by T.
Protein change: p.Ala9Val; replaces alanine 9 with valine.
Molecular consequence: missense variant.
Genome position (GRCh38, 1-based): chr22:28,734,696, G>A on the plus strand (C>T on the coding strand, the complement: CHEK2 is on the minus strand). VCF-style: chr22-28734696-G-A. GRCh37 (hg19) VCF-style: chr22-29130684-G-A.
Other names: c.26C>T, p.Ala9Val (NM_001005735.3, NM_001349956.3, NM_145862.3); c.-752C>T (NM_001257387.3); short protein forms A9V.
Identifiers: ClinVar variation 923122 (VCV000923122.9), dbSNP rs1456931393, ClinGen allele CA411092020.

ClinVar aggregate classification (germline): Uncertain significance. Review status: criteria provided, multiple submitters, no conflicts (2 of 4 stars). 3 submissions from 3 submitters: Uncertain significance (3). Last evaluated 2025-05-26.

Conditions:
Hereditary cancer-predisposing syndrome. Also called: Neoplastic Syndromes, Hereditary; Tumor predisposition; Hereditary Cancer Syndrome; Hereditary neoplastic syndrome. Identifiers: Orphanet 140162, MedGen C0027672, MeSH D009386, MONDO:0015356.
Familial cancer of breast. Also called: BREAST CANCER, FAMILIAL; hereditary breast carcinoma; Hereditary breast cancer. Identifiers: Orphanet 227535, MedGen C0346153, MONDO:0016419, OMIM 114480. Disease mechanism: loss of function.

Submissions (3):

Labcorp Genetics (formerly Invitae), Labcorp
Classification: Uncertain significance for Familial cancer of breast. Last evaluated: 2025-05-26. Review status: criteria provided, single submitter. Criteria: Invitae Variant Classification Sherloc (09022015). Collection method: clinical testing. Allele origin: germline.
Comment: This sequence change replaces alanine, which is neutral and non-polar, with valine, which is neutral and non-polar, at codon 9 of the CHEK2 protein (p.Ala9Val). This variant is not present in population databases (gnomAD no frequency). This variant has not been reported in the literature in individuals affected with CHEK2-related conditions. ClinVar contains an entry for this variant (Variation ID: 923122). An algorithm developed to predict the effect of missense changes on protein structure and function (PolyPhen-2) suggests that this variant is likely to be tolerated. In summary, the available evidence is currently insufficient to determine the role of this variant in disease. Therefore, it has been classified as a Variant of Uncertain Significance.

Ambry Genetics
Classification: Uncertain significance for Hereditary cancer-predisposing syndrome. Last evaluated: 2023-03-15. Review status: criteria provided, single submitter. Criteria: Ambry Variant Classification Scheme 2023. Collection method: clinical testing. Allele origin: germline.
Comment: The p.A9V variant (also known as c.26C>T), located in coding exon 1 of the CHEK2 gene, results from a C to T substitution at nucleotide position 26. The alanine at codon 9 is replaced by valine, an amino acid with similar properties. This amino acid position is poorly conserved in available vertebrate species. In addition, this alteration is predicted to be tolerated by in silico analysis. Since supporting evidence is limited at this time, the clinical significance of this alteration remains unclear.

Color Diagnostics, LLC DBA Color Health
Classification: Uncertain significance for Hereditary cancer-predisposing syndrome. Last evaluated: 2019-04-03. Review status: criteria provided, single submitter. Criteria: ACMG Guidelines, 2015. Collection method: clinical testing. Allele origin: germline.